The following is an entry in ClinVar:

ClinVar aggregate classification (germline): Uncertain significance (1 of 4 stars; one submission).

Conditions:
Anophthalmia/microphthalmia-esophageal atresia syndrome (MCOPS3). Also called: MICROPHTHALMIA AND ESOPHAGEAL ATRESIA SYNDROME; AEG SYNDROME; SOX2 Disorder. Identifiers: Orphanet 77298, MedGen C1859773, MONDO:0008799, OMIM 206900.

Submission:

Labcorp Genetics (formerly Invitae), Labcorp
Classification: Uncertain significance for Anophthalmia/microphthalmia-esophageal atresia syndrome. Last evaluated: 2024-02-04. Review status: criteria provided, single submitter. Criteria: Invitae Variant Classification Sherloc (09022015). Collection method: clinical testing. Allele origin: germline.
Comment: This sequence change affects codon 200 of the SOX2 mRNA. It is a 'silent' change, meaning that it does not change the encoded amino acid sequence of the SOX2 protein. This variant is not present in population databases (gnomAD no frequency). This variant has not been reported in the literature in individuals affected with SOX2-related conditions. In summary, the available evidence is currently insufficient to determine the role of this variant in disease. Therefore, it has been classified as a Variant of Uncertain Significance.

NM_003106.4(SOX2):c.600C>T (p.Tyr200=)

Genes: SOX2 (SRY-box transcription factor 2; plus strand), SOX2-OT (SOX2 overlapping transcript; plus strand). Cytogenetic location: 3q26.33.
Variant type: single nucleotide variant.
Coding change: c.600C>T on transcript NM_003106.4 (MANE Select); coding-DNA position 600, C replaced by T.
Protein change: p.Tyr200=; no amino-acid change (tyrosine 200 retained).
Molecular consequence: synonymous variant.
Genome position (GRCh38, 1-based): chr3:181,712,960, C>T. VCF-style: chr3-181712960-C-T. GRCh37 (hg19) VCF-style: chr3-181430748-C-T.
Identifiers: ClinVar variation 3628500 (VCV003628500.2).
Genomic context (GRCh38, chr3:181,712,960, plus strand): 5'-CCCGCAGCACCCGGGCCTCAATGCGCACGGCGCAGCGCAGATGCAGCCCATGCACCGCTA[C>T]GACGTGAGCGCCCTGCAGTACAACTCCATGACCAGCTCGCAGACCTACATGAACGGCTCG-3'
Protein context (NP_003097.1, residues 190-210): GAAQMQPMHR[Tyr200=]DVSALQYNSM